The following is an entry in ClinVar:

NM_022100.3(MRPS14):c.13A>G (p.Met5Val)

Genes: MRPS14 (mitochondrial ribosomal protein S14; minus strand), LOC129931958 (ATAC-STARR-seq lymphoblastoid active region 2128; plus strand). Cytogenetic location: 1q25.1.
Variant type: single nucleotide variant.
Coding change: c.13A>G on transcript NM_022100.3 (MANE Select); coding-DNA position 13, A replaced by G.
Protein change: p.Met5Val; replaces methionine 5 with valine.
Molecular consequence: missense variant. On other transcripts: non-coding transcript variant (1).
Genome position (GRCh38, 1-based): chr1:175,023,396, T>C on the plus strand (A>G on the coding strand, the complement: MRPS14 is on the minus strand). VCF-style: chr1-175023396-T-C. GRCh37 (hg19) VCF-style: chr1-174992532-T-C.
Other names: c.13A>G (NM_022100.2); short protein forms M5V.
Identifiers: ClinVar variation 2191900 (VCV002191900.5), dbSNP rs141489541, ClinGen allele CA1253739.

ClinVar aggregate classification (germline): Conflicting classifications of pathogenicity. Review status: criteria provided, conflicting classifications (1 of 4 stars). 2 submissions from 2 submitters: Uncertain significance (1); Likely benign (1). Last evaluated 2025-05-26.

Allele frequency attached by ClinVar (database versions not stated): gnomAD exomes 0.00005; ExAC 0.00006; TOPMed 0.00007; ESP Exome Variant Server 0.00015.
gnomAD v4.1: 85 of 1,614,034 alleles (0.0053%); highest among the groups gnomAD compares: Admixed American, 0.018%; no homozygotes.

Submissions (2):

Ambry Genetics
Classification: Likely benign. Last evaluated: 2025-05-26. Review status: criteria provided, single submitter. Criteria: Ambry Variant Classification Scheme 2023. Collection method: clinical testing. Allele origin: germline.

Labcorp Genetics (formerly Invitae), Labcorp
Classification: Uncertain significance. Last evaluated: 2023-12-11. Review status: criteria provided, single submitter. Criteria: Invitae Variant Classification Sherloc (09022015). Collection method: clinical testing. Allele origin: germline.
Comment: This sequence change replaces methionine, which is neutral and non-polar, with valine, which is neutral and non-polar, at codon 5 of the MRPS14 protein (p.Met5Val). This variant is present in population databases (rs141489541, gnomAD 0.02%). This variant has not been reported in the literature in individuals affected with MRPS14-related conditions. ClinVar contains an entry for this variant (Variation ID: 2191900). Algorithms developed to predict the effect of missense changes on protein structure and function output the following: SIFT: "Not Available"; PolyPhen-2: "Benign"; Align-GVGD: "Not Available". The valine amino acid residue is found in multiple mammalian species, which suggests that this missense change does not adversely affect protein function. In summary, the available evidence is currently insufficient to determine the role of this variant in disease. Therefore, it has been classified as a Variant of Uncertain Significance.